The following is an entry in ClinVar:

ClinVar aggregate classification (germline): Uncertain significance (1 of 4 stars; one submission).

gnomAD v4.1: 93 of 1,572,410 alleles (0.0059%); highest among the groups gnomAD compares: African/African-American, 0.05%; no homozygotes.

Submission:

GeneDx
Classification: Uncertain significance. Last evaluated: 2026-01-27. Review status: criteria provided, single submitter. Criteria: GeneDx Variant Classification Process June 2021. Collection method: clinical testing. Allele origin: germline.
Comment: In silico analysis suggests that this variant does not alter splicing; Has not been previously published as pathogenic or benign to our knowledge; Reported using an alternate transcript of the gene

NM_201378.4(PLEC):c.71-11617C>T

Gene: PLEC (plectin; minus strand). Cytogenetic location: 8q24.3.
Variant type: single nucleotide variant.
Coding change: c.71-11617C>T on transcript NM_201378.4 (MANE Plus Clinical); 11617 bases into the intron before coding-DNA position 71, C replaced by T.
Molecular consequence: intron variant. On other transcripts: missense variant (1).
Genome position (GRCh38, 1-based): chr8:143,950,309, G>A on the plus strand (C>T on the coding strand, the complement: PLEC is on the minus strand). VCF-style: chr8-143950309-G-A. GRCh37 (hg19) VCF-style: chr8-145024477-G-A.
Other names: c.398C>T, p.Pro133Leu (NM_201380.4); c.194-11617C>T (NM_001410941.1, NM_000445.5); c.46+3417C>T (NM_201379.3); short protein forms P133L.
Identifiers: ClinVar variation 4887868 (VCV004887868.1).
Genomic context (GRCh38, chr8:143,950,309, plus strand): 5'-GGGGTCTCAGGTGACACCTCCTCAAGCTCCTTCCGACGGTAGACCCGCTGCTCCTCCGTC[G>A]GCAGCGGCCCCCGCTTGGGTGGGGAGCCCAGGGGACCCTGCACAGCCTGCACGTGGGGGG-3'